The following is an entry in ClinVar:

ClinVar aggregate classification (germline): Uncertain significance. Review status: criteria provided, multiple submitters, no conflicts (2 of 4 stars). 2 submissions from 2 submitters: Uncertain significance (2). Last evaluated 2019-07-16.

Conditions:
PLIN1-related familial partial lipodystrophy. Also called: LIPODYSTROPHY, FAMILIAL PARTIAL, ASSOCIATED WITH PLIN1 MUTATIONS. Identifiers: Orphanet 280356, MedGen C5191005, MONDO:0013478, OMIM 613877.

Allele frequency attached by ClinVar (database versions not stated): gnomAD exomes 0.00001; ExAC 0.00002.
gnomAD v4.1: 8 of 1,613,966 alleles (0.0005%); highest among the groups gnomAD compares: South Asian, 0.0077%; no homozygotes.

Submissions (2):

Baylor Genetics
Classification: Uncertain significance for PLIN1-related familial partial lipodystrophy. Last evaluated: 2019-07-16. Review status: criteria provided, single submitter. Criteria: ACMG Guidelines, 2015. Collection method: clinical testing. Allele origin: unknown. Affected: yes.
Comment: This variant was determined to be of uncertain significance according to ACMG Guidelines, 2015 [PMID:25741868].

Breakthrough Genomics
Classification: Uncertain significance. Review status: criteria provided, single submitter. Criteria: ACMG Guidelines, 2015. Collection method: not provided. Allele origin: germline. Inheritance: Autosomal dominant inheritance. Affected: yes.

NM_002666.5(PLIN1):c.1033A>G (p.Thr345Ala)

Gene: PLIN1 (perilipin 1; minus strand). Cytogenetic location: 15q26.1.
Variant type: single nucleotide variant.
Coding change: c.1033A>G on transcript NM_002666.5 (MANE Select); coding-DNA position 1033, A replaced by G.
Protein change: p.Thr345Ala; replaces threonine 345 with alanine.
Molecular consequence: missense variant.
Genome position (GRCh38, 1-based): chr15:89,667,112, T>C on the plus strand (A>G on the coding strand, the complement: PLIN1 is on the minus strand). VCF-style: chr15-89667112-T-C. GRCh37 (hg19) VCF-style: chr15-90210343-T-C.
Other names: c.1033A>G, p.Thr345Ala (NM_001145311.2); short protein forms T345A.
Identifiers: ClinVar variation 1029621 (VCV001029621.2), dbSNP rs779890983, ClinGen allele CA7728828.
Genomic context (GRCh38, chr15:89,667,112, plus strand): 5'-GCACCCTCCCTGCCATGCCCAGCACAGCTGCAGGTGCCCATGTCACAGCCGAGATGGTGG[T>C]CTGGAGGGTCTTCTGCAGGGTATGTGCCACACCACCCAGGAGGCCTCGAGGGCCTGGCAG-3'
Protein context (NP_002657.3, residues 335-355): VAHTLQKTLQ[Thr345Ala]TISAVTWAPA